The following is an entry in ClinVar:

NM_003850.3(SUCLA2):c.1055C>T (p.Ala352Val)

Gene: SUCLA2 (succinate-CoA ligase ADP-forming subunit beta; minus strand). Cytogenetic location: 13q14.2.
Variant type: single nucleotide variant.
Coding change: c.1055C>T on transcript NM_003850.3 (MANE Select); coding-DNA position 1055, C replaced by T.
Protein change: p.Ala352Val; replaces alanine 352 with valine.
Molecular consequence: missense variant.
Genome position (GRCh38, 1-based): chr13:47,954,192, G>A on the plus strand (C>T on the coding strand, the complement: SUCLA2 is on the minus strand). VCF-style: chr13-47954192-G-A. GRCh37 (hg19) VCF-style: chr13-48528327-G-A.
Other names: short protein forms A352V.
Identifiers: ClinVar variation 1972474 (VCV001972474.5), dbSNP rs2541673197, ClinGen allele CA388145261.
Genomic context (GRCh38, chr13:47,954,192, plus strand): 5'-GCCCTTACCTTTTTATCTGAAGTGATAAGCTTAAATGCTTCTGTTACTTGATGGACTGTA[G>A]CACCACCACCAACATCAAGGAAGTTGGCTGGAGTCCCTCCATGAAGTTTTATTATATCCA-3'
Protein context (NP_003841.1, residues 342-362): PANFLDVGGG[Ala352Val]TVHQVTEAFK

ClinVar aggregate classification (germline): Uncertain significance (1 of 4 stars; one submission).

Conditions:
Mitochondrial DNA depletion syndrome, encephalomyopathic form with methylmalonic aciduria (MTDPS5). Also called: SUCLA2-Related Mitochondrial DNA Depletion Syndrome, Encephalomyopathic Form with Methylmalonic Aciduria; Mitochondrial encephalomyopathy aminoacidopathy; MITOCHONDRIAL DNA DEPLETION SYNDROME, ENCEPHALOMYOPATHIC FORM, WITH OR WITHOUT METHYLMALONIC ACIDURIA, AUTOSOMAL RECESSIVE, SUCLA2-RELATED; Mitochondrial DNA depletion syndrome 5 (encephalomyopathic with or without methylmalonic aciduria). Identifiers: Orphanet 1933, MedGen C5980207, MONDO:0012791, OMIM 612073.

Submission:

Labcorp Genetics (formerly Invitae), Labcorp
Classification: Uncertain significance for Mitochondrial DNA depletion syndrome, encephalomyopathic form with methylmalonic aciduria. Last evaluated: 2023-04-24. Review status: criteria provided, single submitter. Criteria: Invitae Variant Classification Sherloc (09022015). Collection method: clinical testing. Allele origin: germline.
Comment: This variant has not been reported in the literature in individuals affected with SUCLA2-related conditions. In summary, the available evidence is currently insufficient to determine the role of this variant in disease. Therefore, it has been classified as a Variant of Uncertain Significance. Advanced modeling of protein sequence and biophysical properties (such as structural, functional, and spatial information, amino acid conservation, physicochemical variation, residue mobility, and thermodynamic stability) performed at Invitae indicates that this missense variant is not expected to disrupt SUCLA2 protein function. ClinVar contains an entry for this variant (Variation ID: 1972474). This variant is not present in population databases (gnomAD no frequency). This sequence change replaces alanine, which is neutral and non-polar, with valine, which is neutral and non-polar, at codon 352 of the SUCLA2 protein (p.Ala352Val).